The following is an entry in ClinVar:

NM_000089.4(COL1A2):c.2603G>C (p.Gly868Ala)

Gene: COL1A2 (collagen type I alpha 2 chain; plus strand). Cytogenetic location: 7q21.3.
Variant type: single nucleotide variant.
Coding change: c.2603G>C on transcript NM_000089.4 (MANE Select); coding-DNA position 2603, G replaced by C.
Protein change: p.Gly868Ala; replaces glycine 868 with alanine.
Molecular consequence: missense variant.
Genome position (GRCh38, 1-based): chr7:94,424,373, G>C. VCF-style: chr7-94424373-G-C. GRCh37 (hg19) VCF-style: chr7-94053685-G-C.
Other names: short protein forms G868A.
Identifiers: ClinVar variation 1067157 (VCV001067157.10), dbSNP rs2115946426, ClinGen allele CA368224252.

ClinVar aggregate classification (germline): Pathogenic (1 of 4 stars; one submission).

Conditions:
Osteogenesis imperfecta type I (OI1). Also called: OI, TYPE I; OSTEOGENESIS IMPERFECTA TARDA; OSTEOGENESIS IMPERFECTA WITH BLUE SCLERAE; Osteogenesis imperfecta type 1; Classic Non-deforming Osteogenesis Imperfecta with Blue Sclerae; Lobstein's Disease. Identifiers: Orphanet 216796, Orphanet 666, MedGen C0023931, MONDO:0008146, OMIM 166200. Disease mechanism: loss of function.
Ehlers-Danlos syndrome, classic type, 1 (EDSCL1). Also called: EHLERS-DANLOS SYNDROME, GRAVIS TYPE; EHLERS-DANLOS SYNDROME, SEVERE CLASSIC TYPE; EDS I; Ehlers-Danlos Syndrome, Classic Type, COL5A1-Related; Ehlers-Danlos syndrome, type 1. Identifiers: MedGen C0268335, MONDO:0019567, OMIM 130000.

Submission:

Labcorp Genetics (formerly Invitae), Labcorp
Classification: Pathogenic for Osteogenesis imperfecta type I; Ehlers-Danlos syndrome, classic type, 1. Last evaluated: 2021-01-15. Review status: criteria provided, single submitter. Criteria: Invitae Variant Classification Sherloc (09022015). Collection method: clinical testing. Allele origin: germline.
Comment: This sequence change replaces glycine with alanine at codon 868 of the COL1A2 protein (p.Gly868Ala). The glycine residue is highly conserved and there is a small physicochemical difference between glycine and alanine. This variant is not present in population databases (ExAC no frequency). This variant has been observed in individual(s) with clinical features of osteogenesis imperfecta (Invitae). It has also been observed to segregate with disease in related individuals. Advanced modeling of protein sequence and biophysical properties (such as structural, functional, and spatial information, amino acid conservation, physicochemical variation, residue mobility, and thermodynamic stability) performed at Invitae indicates that this missense variant is expected to disrupt COL1A2 protein function. This variant disrupts the triple helix domain of COL1A2. Glycine residues within the Gly-Xaa-Yaa repeats of the triple helix domain are required for the structure and stability of fibrillar collagens (PMID: 7695699, 8218237, 19344236). In COL1A2, variants affecting these glycine residues are significantly enriched in individuals with disease (PMID: 9016532, 17078022) compared to the general population (ExAC). For these reasons, this variant has been classified as Pathogenic.

Literature cited by the submitters: PubMed 7695699; PubMed 8218237; PubMed 19344236; PubMed 9016532; PubMed 17078022.